The following is an entry in ClinVar:

ClinVar aggregate classification (germline): Uncertain significance (1 of 4 stars; one submission).

Conditions:
Short-rib thoracic dysplasia 11 with or without polydactyly (SRTD11). Also called: SHORT-RIB THORACIC DYSPLASIA 11 WITHOUT POLYDACTYLY. Identifiers: Orphanet 474, Orphanet 93271, MedGen C3810200, MONDO:0014287, OMIM 615633.

gnomAD v4.1: 3 of 1,493,700 alleles (0.0002%); highest among the groups gnomAD compares: Non-Finnish European, 0.00027%; no homozygotes.

Submission:

Labcorp Genetics (formerly Invitae), Labcorp
Classification: Uncertain significance for Short-rib thoracic dysplasia 11 with or without polydactyly. Last evaluated: 2022-05-17. Review status: criteria provided, single submitter. Criteria: Invitae Variant Classification Sherloc (09022015). Collection method: clinical testing. Allele origin: germline.
Comment: This sequence change replaces glutamic acid, which is acidic and polar, with aspartic acid, which is acidic and polar, at codon 41 of the WDR34 protein (p.Glu41Asp). This variant is not present in population databases (gnomAD no frequency). This variant has not been reported in the literature in individuals affected with WDR34-related conditions. Algorithms developed to predict the effect of missense changes on protein structure and function are either unavailable or do not agree on the potential impact of this missense change (SIFT: "Deleterious"; PolyPhen-2: "Benign"; Align-GVGD: "Class C0"). In summary, the available evidence is currently insufficient to determine the role of this variant in disease. Therefore, it has been classified as a Variant of Uncertain Significance.

NM_052844.4(DYNC2I2):c.123G>C (p.Glu41Asp)

Gene: DYNC2I2 (dynein 2 intermediate chain 2; minus strand). Cytogenetic location: 9q34.11.
Variant type: single nucleotide variant.
Coding change: c.123G>C on transcript NM_052844.4 (MANE Select); coding-DNA position 123, G replaced by C.
Protein change: p.Glu41Asp; replaces glutamic acid 41 with aspartic acid.
Molecular consequence: missense variant.
Genome position (GRCh38, 1-based): chr9:128,656,604, C>G on the plus strand (G>C on the coding strand, the complement: DYNC2I2 is on the minus strand). VCF-style: chr9-128656604-C-G. GRCh37 (hg19) VCF-style: chr9-131418883-C-G.
Other names: short protein forms E41D.
Identifiers: ClinVar variation 2106921 (VCV002106921.4), dbSNP rs1449047694, ClinGen allele CA375051009.